The following is an entry in ClinVar:

NM_005732.4(RAD50):c.624G>T (p.Met208Ile)

Gene: RAD50 (RAD50 double strand break repair protein; plus strand). Cytogenetic location: 5q31.1.
Variant type: single nucleotide variant.
Coding change: c.624G>T on transcript NM_005732.4 (MANE Select); coding-DNA position 624, G replaced by T.
Protein change: p.Met208Ile; replaces methionine 208 with isoleucine.
Molecular consequence: missense variant.
Genome position (GRCh38, 1-based): chr5:132,579,934, G>T. VCF-style: chr5-132579934-G-T. GRCh37 (hg19) VCF-style: chr5-131915626-G-T.
Other names: short protein forms M208I.
Identifiers: ClinVar variation 3312340 (VCV003312340.1).
Genomic context (GRCh38, chr5:132,579,934, plus strand): 5'-CTTAGAAACACTTCGGCAGGTACGTCAGACACAAGGTCAGAAAGTAAAAGAATATCAAAT[G>T]GAACTAAAATATCTGAAGCAATATAAGGAAAAAGCTTGTGAGATTCGTGATCAGATTACA-3'
Protein context (NP_005723.2, residues 198-218): TQGQKVKEYQ[Met208Ile]ELKYLKQYKE

ClinVar aggregate classification (germline): Uncertain significance (1 of 4 stars; one submission).

Conditions:
Hereditary cancer-predisposing syndrome. Also called: Neoplastic Syndromes, Hereditary; Tumor predisposition; Hereditary neoplastic syndrome; Hereditary Cancer Syndrome. Identifiers: Orphanet 140162, MedGen C0027672, MeSH D009386, MONDO:0015356.

Submission:

Ambry Genetics
Classification: Uncertain significance for Hereditary cancer-predisposing syndrome. Last evaluated: 2024-06-07. Review status: criteria provided, single submitter. Criteria: Ambry Variant Classification Scheme 2023. Collection method: clinical testing. Allele origin: germline.
Comment: The p.M208I variant (also known as c.624G>T), located in coding exon 5 of the RAD50 gene, results from a G to T substitution at nucleotide position 624. The methionine at codon 208 is replaced by isoleucine, an amino acid with highly similar properties. This amino acid position is conserved. In addition, this alteration is predicted to be tolerated by in silico analysis. Based on the available evidence, the clinical significance of this variant remains unclear.